The following is an entry in ClinVar:

NM_024422.6(DSC2):c.1073C>T (p.Thr358Ile)

Gene: DSC2 (desmocollin 2; minus strand). Cytogenetic location: 18q12.1.
Variant type: single nucleotide variant.
Coding change: c.1073C>T on transcript NM_024422.6 (MANE Select); coding-DNA position 1073, C replaced by T.
Protein change: p.Thr358Ile; replaces threonine 358 with isoleucine.
Molecular consequence: missense variant.
Genome position (GRCh38, 1-based): chr18:31,082,930, G>A on the plus strand (C>T on the coding strand, the complement: DSC2 is on the minus strand). VCF-style: chr18-31082930-G-A. GRCh37 (hg19) VCF-style: chr18-28662896-G-A.
Other names: c.1073C>T, p.Thr358Ile (NM_004949.5); short protein forms T358I.
Identifiers: ClinVar variation 46160 (VCV000046160.52), dbSNP rs139399951, ClinGen allele CA022394.

ClinVar aggregate classification (germline): Benign/Likely benign. Review status: criteria provided, multiple submitters, no conflicts (2 of 4 stars). 21 submissions from 21 submitters: Benign (4); Likely benign (15). 2 of the submissions do not count toward it. Last evaluated 2026-06-01.

Conditions:
Familial isolated arrhythmogenic right ventricular dysplasia. Identifiers: Orphanet 217656, MedGen C4274968, MONDO:0016342.
Cardiovascular phenotype. Identifiers: MedGen CN230736.
Arrhythmogenic right ventricular cardiomyopathy (ARVD). Also called: Arrhythmogenic right ventricular dysplasia; Cardiomyopathy, ARVC; Arrhythmogenic cardiomyopathy; Arrhythmogenic Right Ventricular Cardiomyopathy (ARVC). Identifiers: Orphanet 247, MedGen C0349788, MeSH D019571, MONDO:0016587. Disease mechanism: loss of function. Inheritance: Various modes of inheritance.
Cardiomyopathy (CMYO). Also called: Cardiomyopathies. Identifiers: Orphanet 167848, MedGen C0878544, MONDO:0004994, HP:0001638. Inheritance: Various modes of inheritance.
Arrhythmogenic right ventricular dysplasia 11. Also called: Arrhythmogenic Right Ventricular Dysplasia/Cardiomyopathy11; Arrhythmogenic right ventricular dysplasia 11 with mild palmoplantar keratoderma and woolly hair; ARRHYTHMOGENIC RIGHT VENTRICULAR DYSPLASIA, FAMILIAL, 11. Identifiers: MedGen C1864850, MONDO:0012506, OMIM 610476.

Allele frequency attached by ClinVar (database versions not stated): 1000 Genomes Project 0.00060; TOPMed 0.00090; ESP Exome Variant Server 0.00092; gnomAD 0.00098 and 0.00104; 1000 Genomes Project 30x 0.00109; gnomAD exomes 0.00120 and 0.00133; ExAC 0.00145.
gnomAD v4.1: 1,888 of 1,613,162 alleles (0.12%); highest among the groups gnomAD compares: Admixed American, 0.14%; 4 homozygotes.

Submissions (21):

CeGaT Center for Human Genetics Tuebingen
Classification: Likely benign. Last evaluated: 2026-06-01. Review status: criteria provided, single submitter. Criteria: CeGaT Center For Human Genetics Tuebingen Variant Classification Criteria Version 2. Collection method: clinical testing. Allele origin: germline. Affected: yes. Observed: 2 variant alleles.
Comment: DSC2: BP4, BS2

Labcorp Genetics (formerly Invitae), Labcorp
Classification: Likely benign for Arrhythmogenic right ventricular dysplasia 11. Last evaluated: 2026-02-03. Review status: criteria provided, single submitter. Criteria: Invitae Variant Classification Sherloc (09022015). Collection method: clinical testing. Allele origin: germline.

Molecular Diagnostic Laboratory for Inherited Cardiovascular Disease, Montreal Heart Institute
Classification: Benign. Last evaluated: 2025-04-09. Review status: criteria provided, single submitter. Criteria: ACMG Guidelines, 2015. Collection method: clinical testing. Allele origin: germline. Affected: no.
Comment: BS1;BS2;BP5;BP6

Blueprint Genetics
Classification: Likely benign. Last evaluated: 2024-11-27. Review status: criteria provided, single submitter. Criteria: ACMG Guidelines, 2015. Collection method: clinical testing. Allele origin: germline.

All of Us Research Program, National Institutes of Health
Classification: Likely benign for Familial isolated arrhythmogenic right ventricular dysplasia. Last evaluated: 2024-09-23. Review status: criteria provided, single submitter. Criteria: ACMG Guidelines, 2015. Collection method: clinical testing. Allele origin: germline. Inheritance: Autosomal dominant inheritance. Observed: 294 variant alleles, 294 heterozygotes.
Comment: This study involves interpretation of variants in research participants for the purpose of population health screening. Participant phenotype was not available at the time of variant classification. Additional details can be found in publication PMID: 35346344, PMCID: PMC8962531

Mayo Clinic Laboratories, Mayo Clinic
Classification: Benign. Last evaluated: 2023-08-09. Review status: criteria provided, single submitter. Criteria: ACMG Guidelines, 2015. Collection method: clinical testing. Allele origin: germline. Observed: 2 variant alleles.
Comment: BS1, BS2, BP4

Fulgent Genetics
Classification: Likely benign for Arrhythmogenic right ventricular dysplasia 11. Last evaluated: 2022-04-28. Review status: criteria provided, single submitter. Criteria: ACMG Guidelines, 2015. Collection method: clinical testing. Allele origin: unknown.

GeneDx
Classification: Likely benign. Last evaluated: 2021-02-10. Review status: criteria provided, single submitter. Criteria: GeneDx Variant Classification Process June 2021. Collection method: clinical testing. Allele origin: germline. Affected: yes.
Comment: This variant is associated with the following publications: (PMID: 24704780, 18678517, 25351510, 27153395)

Women's Health and Genetics/Laboratory Corporation of America, LabCorp
Classification: Benign. Last evaluated: 2020-10-26. Review status: criteria provided, single submitter. Criteria: LabCorp Variant Classification Summary - May 2015. Collection method: clinical testing. Allele origin: germline.
Comment: Variant summary: DSC2 c.1073C>T (p.Thr358Ile) results in a non-conservative amino acid change in the encoded protein sequence. Four of five in-silico tools predict a benign effect of the variant on protein function. The variant allele was found at a frequency of 0.0013 in 250956 control chromosomes in the gnomAD database, including 3 homozygotes. The observed variant frequency is approximately 8-fold of the estimated maximal expected allele frequency for a pathogenic variant in DSC2 causing Arrhythmogenic Right Ventricular Dysplasia/Cardiomyopathy phenotype (0.00016), strongly suggesting that the variant is benign. c.1073C>T has been reported in the literature in an individual with a possible diagnosis of arrhythmogenic cardiomyopathy (AC), however, two first-degree relatives carrying the variant, were unaffected, and there was no family history of AC (Rasmussen_2014). These authors also reported that patient derived keratinocytes expressed normal amount of the DSC2 protein, however, this does not allow conclusions about the variant effect on protein function (Rasmussen_2014). 12 clinical diagnostic laboratories have submitted clinical-significance assessments for this variant to ClinVar after 2014 without evidence for independent evaluation. All laboratories classified the variant as benign/likely benign. Based on the evidence outlined above, the variant was classified as benign.

Ambry Genetics
Classification: Likely benign for Cardiovascular phenotype. Last evaluated: 2018-03-23. Review status: criteria provided, single submitter. Criteria: Ambry Variant Classification Scheme 2023. Collection method: clinical testing. Allele origin: germline.

Color Diagnostics, LLC DBA Color Health
Classification: Likely benign for Cardiomyopathy. Last evaluated: 2018-03-09. Review status: criteria provided, single submitter. Criteria: ACMG Guidelines, 2015. Collection method: clinical testing. Allele origin: germline.

Laboratory for Molecular Medicine, Mass General Brigham Personalized Medicine
Classification: Likely benign. Last evaluated: 2017-09-04. Review status: criteria provided, single submitter. Criteria: LMM Criteria. Collection method: clinical testing. Allele origin: germline. Observed: 3 variant alleles.
Comment: p.Thr358Ile in exon 8 of DSC2: This variant is not expected to have clinical sig nificance because it has been identified in 0.37% (94/25778) of Finnish chromoso mes, including 3 homozygotes, by the Genome Aggregation Database (gnomAD; dbSNP rs139399951).

Clinical Genetics DNA and cytogenetics Diagnostics Lab, Erasmus MC, Erasmus Medical Center
Classification: Likely benign for Arrhythmogenic right ventricular dysplasia 11. Last evaluated: 2017-06-28. Review status: criteria provided, single submitter. Criteria: ACGS Guidelines, 2013. Collection method: clinical testing. Allele origin: germline. Affected: yes. Study: VKGL Data-share Consensus.

Illumina Laboratory Services, Illumina
Classification: Likely benign for Arrhythmogenic right ventricular dysplasia 11. Last evaluated: 2017-04-27. Review status: criteria provided, single submitter. Criteria: ICSL Variant Classification Criteria 13 December 2019. Collection method: clinical testing. Allele origin: germline.
Comment: This variant was observed as part of a predisposition screen in an ostensibly healthy population. A literature search was performed for the gene, cDNA change, and amino acid change (where applicable). Publications were found based on this search. The evidence from the literature, in combination with allele frequency data from public databases where available, was sufficient to determine this variant is unlikely to cause disease. Therefore, this variant is classified as likely benign.

Genome Diagnostics Laboratory, University Medical Center Utrecht
Classification: Likely benign for Arrhythmogenic right ventricular dysplasia 11. Last evaluated: 2017-03-17. Review status: criteria provided, single submitter. Criteria: ACGS Guidelines, 2013. Collection method: clinical testing. Allele origin: germline. Affected: yes. Study: VKGL Data-share Consensus.

Center for Pediatric Genomic Medicine, Children's Mercy Hospital and Clinics
Classification: Likely benign. Last evaluated: 2017-03-10. Review status: criteria provided, single submitter. Criteria: ACMG Guidelines, 2015. Collection method: clinical testing. Allele origin: germline.

CHEO Genetics Diagnostic Laboratory, Children's Hospital of Eastern Ontario
Classification: Benign for Cardiomyopathy. Last evaluated: 2016-11-28. Review status: criteria provided, single submitter. Criteria: ACMG Guidelines, 2015. Collection method: clinical testing. Allele origin: germline. Study: Canadian Open Genetics Repository.

CSER _CC_NCGL, University of Washington
Classification: Likely benign for Arrhythmogenic right ventricular cardiomyopathy. Last evaluated: 2015-12-01. Review status: criteria provided, single submitter. Criteria: Amendola et al. (Genome Res. 2015). Collection method: research. Allele origin: germline. Inheritance: Autosomal dominant inheritance. Study: CSER - NEXT Medicine variant annotation.
Comment: .GERP=1.380.ExAC Alt Allele Frequencies=AFR:0.0098%,NFE:0.206%,EAS:0.0%,SAS:0.0%,FIN:0.353%,AMR:0.106%,OTH:0.227%.The variant was found in publications with the following PMIDs:24704780;

Biesecker Lab/Clinical Genomics Section, National Institutes of Health
Classification: Likely benign. Last evaluated: 2013-06-24. Review status: criteria provided, single submitter. Criteria: Ng et al. (Circ Cardiovasc Genet. 2013). Collection method: research. Allele origin: unknown. Observed: 3 variant alleles. Study: ClinSeq.
Comment: The study set was not selected for affection status in relation to any cancer. Pathogenicity categories were based on literature curation. See Pubmed ID:23861362 for details.

Medical sequencing

Clinical Genetics, Academic Medical Center
Classification: Benign. Review status: no assertion criteria provided. Collection method: clinical testing. Allele origin: germline. Affected: yes. Study: VKGL Data-share Consensus. Not counted in ClinVar's aggregate classification.

Joint Genome Diagnostic Labs from Nijmegen and Maastricht, Radboudumc and MUMC+
Classification: Benign. Review status: no assertion criteria provided. Collection method: clinical testing. Allele origin: germline. Affected: yes. Study: VKGL Data-share Consensus. Not counted in ClinVar's aggregate classification.

Literature cited by the submitters: PubMed 24704780 (cited by 3 submitters); PubMed 23861362 (cited by Ambry Genetics); PubMed 27153395 (cited by Ambry Genetics and Laboratory for Molecular Medicine, Mass General Brigham Personalized Medicine); PubMed 18678517 (cited by Illumina Laboratory Services, Illumina).